The following is an entry in ClinVar:

NM_018344.6(SLC29A3):c.508G>C (p.Val170Leu)

Gene: SLC29A3 (solute carrier family 29 member 3; plus strand). Cytogenetic location: 10q22.1.
Variant type: single nucleotide variant.
Coding change: c.508G>C on transcript NM_018344.6 (MANE Select); coding-DNA position 508, G replaced by C.
Protein change: p.Val170Leu; replaces valine 170 with leucine.
Molecular consequence: missense variant. On other transcripts: non-coding transcript variant (1).
Genome position (GRCh38, 1-based): chr10:71,351,686, G>C. VCF-style: chr10-71351686-G-C. GRCh37 (hg19) VCF-style: chr10-73111443-G-C.
Other names: c.508G>C, p.Val170Leu (NM_001174098.2); c.274G>C, p.Val92Leu (NM_001363518.2); short protein forms V170L, V92L.
Identifiers: ClinVar variation 1026693 (VCV001026693.6), dbSNP rs767315806, ClinGen allele CA5542950.
Genomic context (GRCh38, chr10:71,351,686, plus strand): 5'-ACTGCACTGGTGAAGGTGGACACTTCCTCCTGGACCCGTGGCTTTTTTGCGGTCACCATT[G>C]TCTGCATGGTGATCCTCAGCGGTGCCTCCACTGTCTTCAGCAGCAGCATCTACGGCATGA-3'
Protein context (NP_060814.4, residues 160-180): WTRGFFAVTI[Val170Leu]CMVILSGAST

ClinVar aggregate classification (germline): Uncertain significance (1 of 4 stars; one submission).

Conditions:
H syndrome. Also called: HISTIOCYTOSIS AND LYMPHADENOPATHY WITH OR WITHOUT CUTANEOUS, CARDIAC, AND/OR ENDOCRINE FEATURES, JOINT CONTRACTURES, AND/OR DEAFNESS; HYPERPIGMENTATION, CUTANEOUS, WITH HYPERTRICHOSIS, HEPATOSPLENOMEGALY, HEART ANOMALIES, AND HYPOGONADISM WITH OR WITHOUT HEARING LOSS; PIGMENTED HYPERTRICHOSIS WITH INSULIN-DEPENDENT DIABETES MELLITUS; ROSAI-DORFMAN DISEASE, FAMILIAL; FAISALABAD HISTIOCYTOSIS; SINUS HISTIOCYTOSIS AND MASSIVE LYMPHADENOPATHY. Identifiers: Orphanet 168569, MedGen C1864445, MONDO:0011273, OMIM 602782.

Allele frequency attached by ClinVar (database versions not stated): ExAC 0.00001; gnomAD exomes 0.00001; TOPMed 0.00001.
gnomAD v4.1: 4 of 1,614,064 alleles (0.00025%); highest among the groups gnomAD compares: Admixed American, 0.0017%; no homozygotes.

Submission:

Labcorp Genetics (formerly Invitae), Labcorp
Classification: Uncertain significance for H syndrome. Last evaluated: 2022-08-21. Review status: criteria provided, single submitter. Criteria: Invitae Variant Classification Sherloc (09022015). Collection method: clinical testing. Allele origin: germline.
Comment: This sequence change replaces valine, which is neutral and non-polar, with leucine, which is neutral and non-polar, at codon 170 of the SLC29A3 protein (p.Val170Leu). This variant is present in population databases (rs767315806, gnomAD 0.004%). This variant has not been reported in the literature in individuals affected with SLC29A3-related conditions. ClinVar contains an entry for this variant (Variation ID: 1026693). Algorithms developed to predict the effect of missense changes on protein structure and function (SIFT, PolyPhen-2, Align-GVGD) all suggest that this variant is likely to be tolerated. In summary, the available evidence is currently insufficient to determine the role of this variant in disease. Therefore, it has been classified as a Variant of Uncertain Significance.